The following is an entry in ClinVar:

NM_000552.5(VWF):c.7170T>A (p.Asp2390Glu)

Gene: VWF (von Willebrand factor; minus strand). Cytogenetic location: 12p13.31.
Variant type: single nucleotide variant.
Coding change: c.7170T>A on transcript NM_000552.5 (MANE Select); coding-DNA position 7170, T replaced by A.
Protein change: p.Asp2390Glu; replaces aspartic acid 2390 with glutamic acid.
Molecular consequence: missense variant.
Genome position (GRCh38, 1-based): chr12:5,981,903, A>T on the plus strand (T>A on the coding strand, the complement: VWF is on the minus strand). VCF-style: chr12-5981903-A-T. GRCh37 (hg19) VCF-style: chr12-6091069-A-T.
Other names: short protein forms D2390E.
Identifiers: ClinVar variation 3771577 (VCV003771577.13).

ClinVar aggregate classification (germline): Uncertain significance (1 of 4 stars; one submission).

gnomAD v4.1: 2 of 1,613,508 alleles (0.00012%); highest among the groups gnomAD compares: Non-Finnish European, 0.00017%; no homozygotes.

Submission:

CeGaT Center for Human Genetics Tuebingen
Classification: Uncertain significance. Last evaluated: 2025-03-01. Review status: criteria provided, single submitter. Criteria: CeGaT Center For Human Genetics Tuebingen Variant Classification Criteria Version 2. Collection method: clinical testing. Allele origin: germline. Affected: yes. Observed: 1 variant allele.
Comment: VWF: PM2, BP4